The following is an entry in ClinVar:

ClinVar aggregate classification (germline): Uncertain significance (1 of 4 stars; one submission).

gnomAD v4.1: 8 of 1,613,968 alleles (0.0005%); highest among the groups gnomAD compares: South Asian, 0.0088%; no homozygotes.

Submission:

Labcorp Genetics (formerly Invitae), Labcorp
Classification: Uncertain significance. Last evaluated: 2024-04-15. Review status: criteria provided, single submitter. Criteria: Invitae Variant Classification Sherloc (09022015). Collection method: clinical testing. Allele origin: germline.
Comment: This sequence change replaces tyrosine, which is neutral and polar, with histidine, which is basic and polar, at codon 210 of the FGF20 protein (p.Tyr210His). This variant is present in population databases (rs780961429, gnomAD 0.007%). This variant has not been reported in the literature in individuals affected with FGF20-related conditions. An algorithm developed to predict the effect of missense changes on protein structure and function (PolyPhen-2) suggests that this variant is likely to be tolerated. In summary, the available evidence is currently insufficient to determine the role of this variant in disease. Therefore, it has been classified as a Variant of Uncertain Significance.

NM_019851.3(FGF20):c.628T>C (p.Tyr210His)

Gene: FGF20 (fibroblast growth factor 20; minus strand). Cytogenetic location: 8p22.
Variant type: single nucleotide variant.
Coding change: c.628T>C on transcript NM_019851.3 (MANE Select); coding-DNA position 628, T replaced by C.
Protein change: p.Tyr210His; replaces tyrosine 210 with histidine.
Molecular consequence: missense variant.
Genome position (GRCh38, 1-based): chr8:16,993,080, A>G on the plus strand (T>C on the coding strand, the complement: FGF20 is on the minus strand). VCF-style: chr8-16993080-A-G. GRCh37 (hg19) VCF-style: chr8-16850589-A-G.
Other names: short protein forms Y210H.
Identifiers: ClinVar variation 3699410 (VCV003699410.2).